The following is an entry in ClinVar:

ClinVar aggregate classification (germline): Uncertain significance (1 of 4 stars; one submission).

Allele frequency attached by ClinVar (database versions not stated): ExAC 0.00001; TOPMed 0.00001; gnomAD 0.00003; gnomAD exomes 0.00003.
gnomAD v4.1: 54 of 1,614,110 alleles (0.0033%); highest among the groups gnomAD compares: Non-Finnish European, 0.0045%; no homozygotes.

Submission:

Ambry Genetics
Classification: Uncertain significance. Last evaluated: 2024-11-16. Review status: criteria provided, single submitter. Criteria: Ambry Variant Classification Scheme 2023. Collection method: clinical testing. Allele origin: germline.
Comment: The p.H1298Q variant (also known as c.3894C>G), located in coding exon 4 of the ALPK2 gene, results from a C to G substitution at nucleotide position 3894. The histidine at codon 1298 is replaced by glutamine, an amino acid with highly similar properties. This amino acid position is conserved. In addition, this alteration is predicted to be tolerated by in silico analysis. Since supporting evidence is limited at this time, the clinical significance of this alteration remains unclear.

NM_052947.4(ALPK2):c.3894C>G (p.His1298Gln)

Genes: ALPK2 (alpha kinase 2; minus strand), LOC126862764 (BRD4-independent group 4 enhancer GRCh37_chr18:56202574-56203773; plus strand). Cytogenetic location: 18q21.31.
Variant type: single nucleotide variant.
Coding change: c.3894C>G on transcript NM_052947.4 (MANE Select); coding-DNA position 3894, C replaced by G.
Protein change: p.His1298Gln; replaces histidine 1298 with glutamine.
Molecular consequence: missense variant.
Genome position (GRCh38, 1-based): chr18:58,536,293, G>C on the plus strand (C>G on the coding strand, the complement: ALPK2 is on the minus strand). VCF-style: chr18-58536293-G-C. GRCh37 (hg19) VCF-style: chr18-56203525-G-C.
Other names: short protein forms H1298Q.
Identifiers: ClinVar variation 2451045 (VCV002451045.3), dbSNP rs752770879, ClinGen allele CA8976815.
Genomic context (GRCh38, chr18:58,536,293, plus strand): 5'-CTCTTCGCCTTTATGGCTTTCTCTGCTATCAGCAAGGGCTGACTCAGCATCCTCTGGACT[G>C]TGAGCCAATGCTGCTATTTCAGAGGGGGCCAATTCAGGCACAACAGCATCTGCCTTTAGA-3'
Protein context (NP_443179.3, residues 1288-1308): LAPSEIAALA[His1298Gln]SPEDAESALA